The following is an entry in ClinVar:

NM_000052.7(ATP7A):c.1253C>T (p.Thr418Ile)

Gene: ATP7A (ATPase copper transporting alpha; plus strand). Cytogenetic location: Xq21.1.
Variant type: single nucleotide variant.
Coding change: c.1253C>T on transcript NM_000052.7 (MANE Select); coding-DNA position 1253, C replaced by T.
Protein change: p.Thr418Ile; replaces threonine 418 with isoleucine.
Molecular consequence: missense variant.
Genome position (GRCh38, 1-based): chrX:77,989,875, C>T. VCF-style: chrX-77989875-C-T. GRCh37 (hg19) VCF-style: chrX-77245371-C-T.
Other names: c.1253C>T, p.Thr418Ile (NM_001282224.2); short protein forms T418I.
Identifiers: ClinVar variation 3753803 (VCV003753803.2).
Genomic context (GRCh38, chrX:77,989,875, plus strand): 5'-TCATATCAAAAAAGCCAGGTGTAAAATCCATACGAGTCTCCCTTGCAAATAGCAATGGGA[C>T]TGTTGAGTATGATCCTCTACTAACCTCTCCAGAAACGTTGAGAGGAGCAATAGAAGACAT-3'
Protein context (NP_000043.4, residues 408-428): IRVSLANSNG[Thr418Ile]VEYDPLLTSP

ClinVar aggregate classification (germline): Uncertain significance (1 of 4 stars; one submission).

Conditions:
Menkes kinky-hair syndrome (MNK). Also called: Copper transport disease; Menkes Disease; Classic Menkes Disease. Identifiers: Orphanet 565, MedGen C0022716, MONDO:0010651, OMIM 309400.
X-linked distal spinal muscular atrophy type 3. Also called: ATP7A-Related Distal Motor Neuropathy; SPINAL MUSCULAR ATROPHY, DISTAL, X-LINKED RECESSIVE; NEURONOPATHY, DISTAL HEREDITARY MOTOR, X-LINKED; NEUROPATHY, DISTAL HEREDITARY MOTOR, X-LINKED. Identifiers: Orphanet 139557, MedGen C1845359, MONDO:0010338, OMIM 300489.
Cutis laxa, X-linked (OHS). Also called: EDS IX; Occipital horn syndrome. Identifiers: Orphanet 198, MedGen C0268353, MONDO:0010572, OMIM 304150.

Submission:

Labcorp Genetics (formerly Invitae), Labcorp
Classification: Uncertain significance for X-linked distal spinal muscular atrophy type 3; Cutis laxa, X-linked; Menkes kinky-hair syndrome. Last evaluated: 2024-09-21. Review status: criteria provided, single submitter. Criteria: Invitae Variant Classification Sherloc (09022015). Collection method: clinical testing. Allele origin: germline.
Comment: This sequence change replaces threonine, which is neutral and polar, with isoleucine, which is neutral and non-polar, at codon 418 of the ATP7A protein (p.Thr418Ile). This variant is not present in population databases (gnomAD no frequency). This variant has not been reported in the literature in individuals affected with ATP7A-related conditions. Invitae Evidence Modeling of protein sequence and biophysical properties (such as structural, functional, and spatial information, amino acid conservation, physicochemical variation, residue mobility, and thermodynamic stability) indicates that this missense variant is not expected to disrupt ATP7A protein function with a negative predictive value of 95%. In summary, the available evidence is currently insufficient to determine the role of this variant in disease. Therefore, it has been classified as a Variant of Uncertain Significance.